The following is an entry in ClinVar:

NM_001174147.2(LMX1B):c.22G>A (p.Glu8Lys)

Gene: LMX1B (LIM homeobox transcription factor 1 beta; plus strand). Cytogenetic location: 9q33.3.
Variant type: single nucleotide variant.
Coding change: c.22G>A on transcript NM_001174147.2 (MANE Select); coding-DNA position 22, G replaced by A.
Protein change: p.Glu8Lys; replaces glutamic acid 8 with lysine.
Molecular consequence: missense variant.
Genome position (GRCh38, 1-based): chr9:126,614,471, G>A. VCF-style: chr9-126614471-G-A. GRCh37 (hg19) VCF-style: chr9-129376750-G-A.
Other names: c.22G>A, p.Glu8Lys (NM_001174146.2, NM_002316.4); c.22G>A (NM_002316.3); short protein forms E8K.
Identifiers: ClinVar variation 1475046 (VCV001475046.9), dbSNP rs756001518, ClinGen allele CA5242199.

ClinVar aggregate classification (germline): Uncertain significance. Review status: criteria provided, multiple submitters, no conflicts (2 of 4 stars). 2 submissions from 2 submitters: Uncertain significance (2). Last evaluated 2023-04-10.

Conditions:
Inborn genetic diseases. Identifiers: MedGen C0950123, MeSH D030342.

Allele frequency attached by ClinVar (database versions not stated): gnomAD 0.00001; TOPMed 0.00001; gnomAD exomes 0.00002 and 0.00003; ExAC 0.00004.
gnomAD v4.1: 30 of 1,583,656 alleles (0.0019%); highest among the groups gnomAD compares: Middle Eastern, 0.05%; no homozygotes.

Submissions (2):

Labcorp Genetics (formerly Invitae), Labcorp
Classification: Uncertain significance. Last evaluated: 2023-04-10. Review status: criteria provided, single submitter. Criteria: Invitae Variant Classification Sherloc (09022015). Collection method: clinical testing. Allele origin: germline.
Comment: In summary, the available evidence is currently insufficient to determine the role of this variant in disease. Therefore, it has been classified as a Variant of Uncertain Significance. An algorithm developed to predict the effect of missense changes on protein structure and function (PolyPhen-2) suggests that this variant is likely to be tolerated. ClinVar contains an entry for this variant (Variation ID: 1475046). This variant has not been reported in the literature in individuals affected with LMX1B-related conditions. This variant is present in population databases (rs756001518, gnomAD 0.005%). This sequence change replaces glutamic acid, which is acidic and polar, with lysine, which is basic and polar, at codon 8 of the LMX1B protein (p.Glu8Lys).

Ambry Genetics
Classification: Uncertain significance for Inborn genetic diseases. Last evaluated: 2022-06-29. Review status: criteria provided, single submitter. Criteria: Ambry Variant Classification Scheme 2023. Collection method: clinical testing. Allele origin: germline.